The following is an entry in ClinVar:

NM_002336.3(LRP6):c.1579C>G (p.Leu527Val)

Gene: LRP6 (LDL receptor related protein 6; minus strand). Cytogenetic location: 12p13.2.
Variant type: single nucleotide variant.
Coding change: c.1579C>G on transcript NM_002336.3 (MANE Select); coding-DNA position 1579, C replaced by G.
Protein change: p.Leu527Val; replaces leucine 527 with valine.
Molecular consequence: missense variant.
Genome position (GRCh38, 1-based): chr12:12,165,262, G>C on the plus strand (C>G on the coding strand, the complement: LRP6 is on the minus strand). VCF-style: chr12-12165262-G-C. GRCh37 (hg19) VCF-style: chr12-12318196-G-C.
Other names: c.1579C>G (NM_002336.2); short protein forms L527V.
Identifiers: ClinVar variation 1703077 (VCV001703077.4), dbSNP rs1862849280, ClinGen allele CA383947325.
Genomic context (GRCh38, chr12:12,165,262, plus strand): 5'-AGTAAACATAGTCACCCAACAAAGTAAATCCAAATATGTGAGGAATTTTGTCTTCCACTA[G>C]TACTCGTCTCCCAGTGCCATCAGTATTCATAACCTTCAGGTTTAAATTCAAAAGAGAAGG-3'
Protein context (NP_002327.2, residues 517-537): MNTDGTGRRV[Leu527Val]VEDKIPHIFG

ClinVar aggregate classification (germline): Uncertain significance. Review status: criteria provided, multiple submitters, no conflicts (2 of 4 stars). 2 submissions from 2 submitters: Uncertain significance (2). Last evaluated 2025-10-28.

Conditions:
Inborn genetic diseases. Identifiers: MedGen C0950123, MeSH D030342.

Allele frequency attached by ClinVar (database versions not stated): gnomAD exomes below 0.00001.
gnomAD v4.1: 1 of 1,613,814 alleles (0.000062%); highest among the groups gnomAD compares: Non-Finnish European, 0.000085%; no homozygotes.

Submissions (2):

Ambry Genetics
Classification: Uncertain significance for Inborn genetic diseases. Last evaluated: 2025-10-28. Review status: criteria provided, single submitter. Criteria: Ambry Variant Classification Scheme 2023. Collection method: clinical testing. Allele origin: germline.

Greenwood Genetic Center Diagnostic Laboratories, Greenwood Genetic Center
Classification: Uncertain significance. Last evaluated: 2022-05-31. Review status: criteria provided, single submitter. Criteria: ACMG Guidelines, 2015. Collection method: clinical testing. Allele origin: germline. Affected: yes.
Comment: PM2